The following is an entry in ClinVar:

NM_000477.7(ALB):c.1794dup (p.Leu599fs)

Gene: ALB (albumin; plus strand). Cytogenetic location: 4q13.3.
Variant type: Duplication.
Coding change: c.1794dup on transcript NM_000477.7 (MANE Select); coding-DNA position 1794, one base duplicated (A; older notation c.1794dupA).
Protein change: p.Leu599fs; shifts the reading frame from leucine 599.
Molecular consequence: frameshift variant.
Genome position (GRCh38, 1-based): chr4:73,420,262, A duplicated; the last of 6 consecutive A bases (chr4:73,420,257-73,420,262); duplicating any one gives the same sequence. VCF-style (leftmost placement, unchanged base first): chr4-73420256-T-TA. GRCh37 (hg19) VCF-style: chr4-74285973-T-TA.
Other names: Albumin Kenitra; short protein forms L599fs.
Identifiers: ClinVar variation 156318 (VCV000156318.1), dbSNP rs75000326, ClinGen allele CA170825.

ClinVar aggregate classification (germline): not provided (0 of 4 stars; one submission).

Conditions:
Alloalbuminemia. Identifiers: MedGen CN220290.

Submission:

ClinVar Staff, National Center for Biotechnology Information (NCBI)
No classification provided. Review status: no classification provided. Collection method: not provided. Allele origin: unknown.
Comment: O-glycosylated at Thr620;low thermal stability